The following is an entry in ClinVar:

ClinVar aggregate classification (germline): Likely benign. Review status: criteria provided, single submitter (1 of 4 stars). 2 submissions from 2 submitters: Likely benign (1). 1 of the submissions does not count toward it. Last evaluated 2024-11-04.

Conditions:
RYR1-related disorder. Also called: RYR1-related disorders; RYR1-related condition. Identifiers: MedGen CN239331.

Allele frequency attached by ClinVar (database versions not stated): gnomAD exomes 0.00002 and 0.00005; ExAC 0.00004; gnomAD 0.00004 and 0.00006; TOPMed 0.00007.
gnomAD v4.1: 35 of 1,613,440 alleles (0.0022%); highest among the groups gnomAD compares: African/African-American, 0.019%; no homozygotes.

Submissions (2):

Labcorp Genetics (formerly Invitae), Labcorp
Classification: Likely benign for RYR1-related disorder. Last evaluated: 2024-11-04. Review status: criteria provided, single submitter. Criteria: Invitae Variant Classification Sherloc (09022015). Collection method: clinical testing. Allele origin: germline.

PreventionGenetics, part of Exact Sciences
Classification: Likely benign for RYR1-related condition. Last evaluated: 2019-08-21. Review status: no assertion criteria provided. Collection method: clinical testing. Allele origin: germline. Not counted in ClinVar's aggregate classification.
Comment: This variant is classified as likely benign based on ACMG/AMP sequence variant interpretation guidelines (Richards et al. 2015 PMID: 25741868, with internal and published modifications).

NM_000540.3(RYR1):c.13866C>T (p.Gly4622=)

Gene: RYR1 (ryanodine receptor 1; plus strand). Cytogenetic location: 19q13.2.
Variant type: single nucleotide variant.
Coding change: c.13866C>T on transcript NM_000540.3 (MANE Select); coding-DNA position 13866, C replaced by T.
Protein change: p.Gly4622=; no amino-acid change (glycine 4622 retained).
Molecular consequence: synonymous variant.
Genome position (GRCh38, 1-based): chr19:38,572,138, C>T. VCF-style: chr19-38572138-C-T. GRCh37 (hg19) VCF-style: chr19-39062778-C-T.
Other names: c.13851C>T, p.Gly4617= (NM_001042723.2).
Identifiers: ClinVar variation 957404 (VCV000957404.8), dbSNP rs370369058, ClinGen allele CA060620.
Genomic context (GRCh38, chr19:38,572,138, plus strand): 5'-AGGTGCAGGCTCTGGTGGCAGCTCTGGCTGGGGCTTGGGGGCCGGAGAGGAGGCAGAGGG[C>T]GATGAGGATGAGAACATGGTGTACTACTTCCTGGAGGAAAGCACAGGCTACATGGAACCC-3'
Protein context (NP_000531.2, residues 4612-4632): WGLGAGEEAE[Gly4622=]DEDENMVYYF